The following is an entry in ClinVar:

ClinVar aggregate classification (germline): Conflicting classifications of pathogenicity. Review status: criteria provided, conflicting classifications (1 of 4 stars). 2 submissions from 2 submitters: Uncertain significance (1); Likely benign (1). Last evaluated 2023-12-27.

Allele frequency attached by ClinVar (database versions not stated): ExAC 0.00002; gnomAD exomes 0.00002 and 0.00003; TOPMed 0.00004; gnomAD 0.00005 and 0.00006; ESP Exome Variant Server 0.00008.
gnomAD v4.1: 34 of 1,613,988 alleles (0.0021%); highest among the groups gnomAD compares: African/African-American, 0.016%; no homozygotes.

Submissions (2):

Blueprint Genetics
Classification: Likely benign. Last evaluated: 2023-12-27. Review status: criteria provided, single submitter. Criteria: ACMG Guidelines, 2015. Collection method: clinical testing. Allele origin: germline.

Labcorp Genetics (formerly Invitae), Labcorp
Classification: Uncertain significance. Last evaluated: 2023-07-16. Review status: criteria provided, single submitter. Criteria: Invitae Variant Classification Sherloc (09022015). Collection method: clinical testing. Allele origin: germline.
Comment: This sequence change replaces alanine, which is neutral and non-polar, with threonine, which is neutral and polar, at codon 1088 of the POLR1A protein (p.Ala1088Thr). This variant is present in population databases (rs370878679, gnomAD 0.01%). In summary, the available evidence is currently insufficient to determine the role of this variant in disease. Therefore, it has been classified as a Variant of Uncertain Significance. Advanced modeling of protein sequence and biophysical properties (such as structural, functional, and spatial information, amino acid conservation, physicochemical variation, residue mobility, and thermodynamic stability) has been performed at Invitae for this missense variant, however the output from this modeling did not meet the statistical confidence thresholds required to predict the impact of this variant on POLR1A protein function. ClinVar contains an entry for this variant (Variation ID: 1474537). This variant has not been reported in the literature in individuals affected with POLR1A-related conditions.

NM_015425.6(POLR1A):c.3262G>A (p.Ala1088Thr)

Gene: POLR1A (RNA polymerase I subunit A; minus strand). Cytogenetic location: 2p11.2.
Variant type: single nucleotide variant.
Coding change: c.3262G>A on transcript NM_015425.6 (MANE Select); coding-DNA position 3262, G replaced by A.
Protein change: p.Ala1088Thr; replaces alanine 1088 with threonine.
Molecular consequence: missense variant.
Genome position (GRCh38, 1-based): chr2:86,043,069, C>T on the plus strand (G>A on the coding strand, the complement: POLR1A is on the minus strand). VCF-style: chr2-86043069-C-T. GRCh37 (hg19) VCF-style: chr2-86270192-C-T.
Other names: short protein forms A1088T.
Identifiers: ClinVar variation 1474537 (VCV001474537.7), dbSNP rs370878679, ClinGen allele CA1745818.